The following is an entry in ClinVar:

ClinVar aggregate classification (germline): Uncertain significance (1 of 4 stars; one submission).

Conditions:
Brugada syndrome 5 (BRGDA5). Identifiers: Orphanet 130, Orphanet 871, MedGen C2748541, MONDO:0013015, OMIM 612838.

Submission:

Labcorp Genetics (formerly Invitae), Labcorp
Classification: Uncertain significance for Brugada syndrome 5. Last evaluated: 2024-12-18. Review status: criteria provided, single submitter. Criteria: Invitae Variant Classification Sherloc (09022015). Collection method: clinical testing. Allele origin: germline.
Comment: This sequence change replaces threonine, which is neutral and polar, with serine, which is neutral and polar, at codon 49 of the SCN1B protein (p.Thr49Ser). This variant is not present in population databases (gnomAD no frequency). This variant has not been reported in the literature in individuals affected with SCN1B-related conditions. An algorithm developed to predict the effect of missense changes on protein structure and function (PolyPhen-2) suggests that this variant is likely to be tolerated. In summary, the available evidence is currently insufficient to determine the role of this variant in disease. Therefore, it has been classified as a Variant of Uncertain Significance.

NM_001037.5(SCN1B):c.145A>T (p.Thr49Ser)

Gene: SCN1B (sodium voltage-gated channel beta subunit 1; plus strand). Cytogenetic location: 19q13.11.
Variant type: single nucleotide variant.
Coding change: c.145A>T on transcript NM_001037.5 (MANE Select); coding-DNA position 145, A replaced by T.
Protein change: p.Thr49Ser; replaces threonine 49 with serine.
Molecular consequence: missense variant.
Genome position (GRCh38, 1-based): chr19:35,032,632, A>T. VCF-style: chr19-35032632-A-T. GRCh37 (hg19) VCF-style: chr19-35523536-A-T.
Other names: c.46A>T, p.Thr16Ser (NM_001321605.2); c.145A>T, p.Thr49Ser (NM_199037.5); short protein forms T16S, T49S.
Identifiers: ClinVar variation 3727585 (VCV003727585.2).